The following is an entry in ClinVar:

ClinVar aggregate classification (germline): Conflicting classifications of pathogenicity. Review status: criteria provided, conflicting classifications (1 of 4 stars). 4 submissions from 4 submitters: Uncertain significance (3); Benign (1). Last evaluated 2024-09-15.

Conditions:
Juvenile polyposis syndrome (JPS). Identifiers: Orphanet 2929, MedGen C0345893, MONDO:0017380, OMIM 174900.
Hereditary cancer-predisposing syndrome. Also called: Neoplastic Syndromes, Hereditary; Tumor predisposition; Hereditary neoplastic syndrome; Hereditary Cancer Syndrome. Identifiers: Orphanet 140162, MedGen C0027672, MeSH D009386, MONDO:0015356.

Allele frequency attached by ClinVar (database versions not stated): gnomAD below 0.00001 and 0.00001; ExAC 0.00001; gnomAD exomes 0.00001 and 0.00002.
gnomAD v4.1: 14 of 1,613,908 alleles (0.00087%); highest among the groups gnomAD compares: South Asian, 0.015%; no homozygotes.

Submissions (4):

Labcorp Genetics (formerly Invitae), Labcorp
Classification: Uncertain significance for Juvenile polyposis syndrome. Last evaluated: 2024-09-15. Review status: criteria provided, single submitter. Criteria: Invitae Variant Classification Sherloc (09022015). Collection method: clinical testing. Allele origin: germline.
Comment: This sequence change replaces valine, which is neutral and non-polar, with isoleucine, which is neutral and non-polar, at codon 525 of the BMPR1A protein (p.Val525Ile). This variant is present in population databases (rs769233029, gnomAD 0.02%). This variant has not been reported in the literature in individuals affected with BMPR1A-related conditions. ClinVar contains an entry for this variant (Variation ID: 246459). Invitae Evidence Modeling of protein sequence and biophysical properties (such as structural, functional, and spatial information, amino acid conservation, physicochemical variation, residue mobility, and thermodynamic stability) indicates that this missense variant is not expected to disrupt BMPR1A protein function with a negative predictive value of 80%. In summary, the available evidence is currently insufficient to determine the role of this variant in disease. Therefore, it has been classified as a Variant of Uncertain Significance.

Color Diagnostics, LLC DBA Color Health
Classification: Uncertain significance for Hereditary cancer-predisposing syndrome. Last evaluated: 2024-03-06. Review status: criteria provided, single submitter. Criteria: ACMG Guidelines, 2015. Collection method: clinical testing. Allele origin: germline.
Comment: This missense variant replaces valine with isoleucine at codon 525 of the BMPR1A protein. Computational prediction suggests that this variant may not impact protein structure and function (internally defined REVEL score threshold <= 0.5, PMID: 27666373). To our knowledge, functional studies have not been reported for this variant. This variant has not been reported in individuals affected with hereditary cancer in the literature. This variant has been identified in 5/251362 chromosomes in the general population by the Genome Aggregation Database (gnomAD). The available evidence is insufficient to determine the role of this variant in disease conclusively. Therefore, this variant is classified as a Variant of Uncertain Significance.

Ambry Genetics
Classification: Benign for Hereditary cancer-predisposing syndrome. Last evaluated: 2022-12-15. Review status: criteria provided, single submitter. Criteria: Ambry Variant Classification Scheme 2023. Collection method: clinical testing. Allele origin: germline.

GeneDx
Classification: Uncertain significance. Last evaluated: 2016-02-29. Review status: criteria provided, single submitter. Criteria: GeneDx Variant Classification (06012015). Collection method: clinical testing. Allele origin: germline. Affected: yes.
Comment: This variant is denoted BMPR1A c.1573G>A at the cDNA level, p.Val525Ile (V525I) at the protein level, and results in the change of a Valine to an Isoleucine (GTT>ATT). This variant has not, to our knowledge, been published in the literature as pathogenic or benign. BMPR1A Val525Ile was not observed in approximately 6,500 individuals of European and African American ancestry in the NHLBI Exome Sequencing Project, suggesting it is not a common benign variant in these populations. Since Valine and Isoleucine share similar properties, this is considered a conservative amino acid substitution. BMPR1A Val525Ile occurs at a position that is conserved across species and is located in the IC domain (Howe 2004). In silico analyses are inconsistent regarding the effect this variant may have on protein structure and function. Based on currently available evidence, it is unclear whether BMPR1A Val525Ile is a pathogenic or benign variant. We consider it to be a variant of uncertain significance.

NM_004329.3(BMPR1A):c.1573G>A (p.Val525Ile)

Gene: BMPR1A (bone morphogenetic protein receptor type 1A; plus strand). Cytogenetic location: 10q23.2.
Variant type: single nucleotide variant.
Coding change: c.1573G>A on transcript NM_004329.3 (MANE Select); coding-DNA position 1573, G replaced by A.
Protein change: p.Val525Ile; replaces valine 525 with isoleucine.
Molecular consequence: missense variant.
Genome position (GRCh38, 1-based): chr10:86,923,693, G>A. VCF-style: chr10-86923693-G-A. GRCh37 (hg19) VCF-style: chr10-88683450-G-A.
Other names: short protein forms V525I.
Identifiers: ClinVar variation 246459 (VCV000246459.14), dbSNP rs769233029, ClinGen allele CA5585751.